The following is an entry in ClinVar:

ClinVar aggregate classification (germline): Uncertain significance (1 of 4 stars; one submission).

Submission:

Labcorp Genetics (formerly Invitae), Labcorp
Classification: Uncertain significance. Last evaluated: 2023-09-08. Review status: criteria provided, single submitter. Criteria: Invitae Variant Classification Sherloc (09022015). Collection method: clinical testing. Allele origin: germline.
Comment: This sequence change replaces leucine, which is neutral and non-polar, with phenylalanine, which is neutral and non-polar, at codon 397 of the NCSTN protein (p.Leu397Phe). This variant is not present in population databases (gnomAD no frequency). This variant has not been reported in the literature in individuals affected with NCSTN-related conditions. Advanced modeling of protein sequence and biophysical properties (such as structural, functional, and spatial information, amino acid conservation, physicochemical variation, residue mobility, and thermodynamic stability) performed at Invitae indicates that this missense variant is not expected to disrupt NCSTN protein function. In summary, the available evidence is currently insufficient to determine the role of this variant in disease. Therefore, it has been classified as a Variant of Uncertain Significance.

NM_015331.3(NCSTN):c.1189C>T (p.Leu397Phe)

Gene: NCSTN (nicastrin; plus strand). Cytogenetic location: 1q23.2.
Variant type: single nucleotide variant.
Coding change: c.1189C>T on transcript NM_015331.3 (MANE Select); coding-DNA position 1189, C replaced by T.
Protein change: p.Leu397Phe; replaces leucine 397 with phenylalanine.
Molecular consequence: missense variant.
Genome position (GRCh38, 1-based): chr1:160,354,127, C>T. VCF-style: chr1-160354127-C-T. GRCh37 (hg19) VCF-style: chr1-160323917-C-T.
Other names: c.1129C>T, p.Leu377Phe (NM_001290184.2); c.775C>T, p.Leu259Phe (NM_001290186.2); c.1189C>T, p.Leu397Phe (NM_001349729.2); short protein forms L397F, L259F, L377F.
Identifiers: ClinVar variation 2758887 (VCV002758887.3), dbSNP rs2525541096, ClinGen allele CA343281352.